The following is an entry in ClinVar:

NM_001190787.3(MCIDAS):c.38C>A (p.Ala13Asp)

Genes: MCIDAS (multiciliate differentiation and DNA synthesis associated cell cycle protein; minus strand), LOC129993892 (ATAC-STARR-seq lymphoblastoid silent region 16010; plus strand). Cytogenetic location: 5q11.2.
Variant type: single nucleotide variant.
Coding change: c.38C>A on transcript NM_001190787.3 (MANE Select); coding-DNA position 38, C replaced by A.
Protein change: p.Ala13Asp; replaces alanine 13 with aspartic acid.
Molecular consequence: missense variant.
Genome position (GRCh38, 1-based): chr5:55,227,101, G>T on the plus strand (C>A on the coding strand, the complement: MCIDAS is on the minus strand). VCF-style: chr5-55227101-G-T. GRCh37 (hg19) VCF-style: chr5-54522929-G-T.
Other names: short protein forms A13D.
Identifiers: ClinVar variation 862761 (VCV000862761.15), dbSNP rs1745473127, ClinGen allele CA359734748.

ClinVar aggregate classification (germline): Uncertain significance (1 of 4 stars; one submission).

Conditions:
Primary ciliary dyskinesia. Also called: Ciliary dyskinesia. Identifiers: Orphanet 244, MedGen C0008780, MONDO:0016575, HP:0012265.

Submission:

Labcorp Genetics (formerly Invitae), Labcorp
Classification: Uncertain significance for Primary ciliary dyskinesia. Last evaluated: 2021-09-01. Review status: criteria provided, single submitter. Criteria: Invitae Variant Classification Sherloc (09022015). Collection method: clinical testing. Allele origin: germline.
Comment: This sequence change replaces alanine with aspartic acid at codon 13 of the MCIDAS protein (p.Ala13Asp). The alanine residue is highly conserved and there is a moderate physicochemical difference between alanine and aspartic acid. The frequency data for this variant in the population databases is considered unreliable, as metrics indicate insufficient coverage at this position in the ExAC database. This variant has not been reported in the literature in individuals affected with MCIDAS-related conditions. Algorithms developed to predict the effect of missense changes on protein structure and function (SIFT, PolyPhen-2, Align-GVGD) all suggest that this variant is likely to be disruptive. In summary, the available evidence is currently insufficient to determine the role of this variant in disease. Therefore, it has been classified as a Variant of Uncertain Significance.